The following is an entry in ClinVar:

ClinVar aggregate classification (germline): Uncertain significance (1 of 4 stars; one submission).

Submission:

Dasa
Classification: Uncertain significance. Last evaluated: 2026-03-26. Review status: criteria provided, single submitter. Criteria: DASA Assertion Criteria. Collection method: clinical testing. Allele origin: germline.
Comment: NM_001287.6(CLCN7):c.1063C>G (p.Pro355Ala) is a missense variant that results in the substitution of proline with alanine. This variant is rare in population databases. Computational prediction algorithms are consistent with a deleterious effect. The currently available literature and clinical evidence are not sufficient to establish a definitive association between this variant and the reported condition. Therefore, this variant is classified as a variant of uncertain significance.

NM_001287.6(CLCN7):c.1063C>G (p.Pro355Ala)

Gene: CLCN7 (Cl-/H+ antiporter 7; minus strand). Cytogenetic location: 16p13.3.
Variant type: single nucleotide variant.
Coding change: c.1063C>G on transcript NM_001287.6 (MANE Select); coding-DNA position 1063, C replaced by G.
Protein change: p.Pro355Ala; replaces proline 355 with alanine.
Molecular consequence: missense variant.
Genome position (GRCh38, 1-based): chr16:1,455,169, G>C on the plus strand (C>G on the coding strand, the complement: CLCN7 is on the minus strand). VCF-style: chr16-1455169-G-C. GRCh37 (hg19) VCF-style: chr16-1505170-G-C.
Other names: c.991C>G, p.Pro331Ala (NM_001114331.3); short protein forms P331A, P355A.
Identifiers: ClinVar variation 4886627 (VCV004886627.2).
Genomic context (GRCh38, chr16:1,455,169, plus strand): 5'-CGAGGTGGGCGATGGGGCAGGTTACCTCCGAGTCAAACCTTCCGAAGTTGATGAGGCCTG[G>C]GCTGGACAGGTCCCACATGTTCCCGTGGTAAATGCTCAGAACAAAATTCAGGGTGAACGT-3'
Protein context (NP_001278.1, residues 345-365): YHGNMWDLSS[Pro355Ala]GLINFGRFDS